The following is an entry in ClinVar:

ClinVar aggregate classification (germline): Uncertain significance (1 of 4 stars; one submission).

Allele frequency attached by ClinVar (database versions not stated): gnomAD exomes below 0.00001; ExAC 0.00001.
gnomAD v4.1: 1 of 1,610,646 alleles (0.000062%); highest among the groups gnomAD compares: South Asian, 0.0011%; no homozygotes.

Submission:

Labcorp Genetics (formerly Invitae), Labcorp
Classification: Uncertain significance. Last evaluated: 2025-04-16. Review status: criteria provided, single submitter. Criteria: Invitae Variant Classification Sherloc (09022015). Collection method: clinical testing. Allele origin: germline.
Comment: This sequence change replaces glycine, which is neutral and non-polar, with aspartic acid, which is acidic and polar, at codon 1289 of the ABCA4 protein (p.Gly1289Asp). This variant is present in population databases (rs745511918, gnomAD 0.003%). This variant has not been reported in the literature in individuals affected with ABCA4-related conditions. ClinVar contains an entry for this variant (Variation ID: 1004271). Invitae Evidence Modeling of protein sequence and biophysical properties (such as structural, functional, and spatial information, amino acid conservation, physicochemical variation, residue mobility, and thermodynamic stability) indicates that this missense variant is not expected to disrupt ABCA4 protein function with a negative predictive value of 95%. In summary, the available evidence is currently insufficient to determine the role of this variant in disease. Therefore, it has been classified as a Variant of Uncertain Significance.

NM_000350.3(ABCA4):c.3866G>A (p.Gly1289Asp)

Gene: ABCA4 (ATP binding cassette subfamily A member 4; minus strand). Cytogenetic location: 1p22.1.
Variant type: single nucleotide variant.
Coding change: c.3866G>A on transcript NM_000350.3 (MANE Select); coding-DNA position 3866, G replaced by A.
Protein change: p.Gly1289Asp; replaces glycine 1289 with aspartic acid.
Molecular consequence: missense variant.
Genome position (GRCh38, 1-based): chr1:94,032,040, C>T on the plus strand (G>A on the coding strand, the complement: ABCA4 is on the minus strand). VCF-style: chr1-94032040-C-T. GRCh37 (hg19) VCF-style: chr1-94497596-C-T.
Other names: c.3644G>A, p.Gly1215Asp (NM_001425324.1); short protein forms G1289D, G1215D.
Identifiers: ClinVar variation 1004271 (VCV001004271.8), dbSNP rs745511918, ClinGen allele CA957781.